The following is an entry in ClinVar:

NM_002103.5(GYS1):c.1385G>A (p.Arg462Gln)

Gene: GYS1 (glycogen synthase 1; minus strand). Cytogenetic location: 19q13.33.
Variant type: single nucleotide variant.
Coding change: c.1385G>A on transcript NM_002103.5 (MANE Select); coding-DNA position 1385, G replaced by A.
Protein change: p.Arg462Gln; replaces arginine 462 with glutamine.
Molecular consequence: missense variant. On other transcripts: non-coding transcript variant (1).
Genome position (GRCh38, 1-based): chr19:48,974,657, C>T on the plus strand (G>A on the coding strand, the complement: GYS1 is on the minus strand). VCF-style: chr19-48974657-C-T. GRCh37 (hg19) VCF-style: chr19-49477914-C-T.
Other names: c.1193G>A, p.Arg398Gln (NM_001161587.2); short protein forms R462Q, R398Q.
Identifiers: ClinVar variation 1404419 (VCV001404419.7), dbSNP rs774914573, ClinGen allele CA9562969.

ClinVar aggregate classification (germline): Uncertain significance (1 of 4 stars; one submission).

Conditions:
Glycogen storage disease due to muscle and heart glycogen synthase deficiency. Also called: GSD 0b; MUSCLE GLYCOGEN SYNTHASE DEFICIENCY. Identifiers: Orphanet 137625, MedGen C1969054, MONDO:0012693, OMIM 611556.

Allele frequency attached by ClinVar (database versions not stated): TOPMed below 0.00001; gnomAD 0.00001 and 0.00002; gnomAD exomes 0.00003 and 0.00004; ExAC 0.00004.
gnomAD v4.1: 40 of 1,613,896 alleles (0.0025%); highest among the groups gnomAD compares: Middle Eastern, 0.049%; 1 homozygote.

Submission:

Labcorp Genetics (formerly Invitae), Labcorp
Classification: Uncertain significance for Glycogen storage disease due to muscle and heart glycogen synthase deficiency. Last evaluated: 2024-10-15. Review status: criteria provided, single submitter. Criteria: Invitae Variant Classification Sherloc (09022015). Collection method: clinical testing. Allele origin: germline.
Comment: This sequence change replaces arginine, which is basic and polar, with glutamine, which is neutral and polar, at codon 462 of the GYS1 protein (p.Arg462Gln). This variant is present in population databases (rs774914573, gnomAD 0.02%). This variant has not been reported in the literature in individuals affected with GYS1-related conditions. ClinVar contains an entry for this variant (Variation ID: 1404419). Invitae Evidence Modeling of protein sequence and biophysical properties (such as structural, functional, and spatial information, amino acid conservation, physicochemical variation, residue mobility, and thermodynamic stability) indicates that this missense variant is not expected to disrupt GYS1 protein function with a negative predictive value of 80%. In summary, the available evidence is currently insufficient to determine the role of this variant in disease. Therefore, it has been classified as a Variant of Uncertain Significance.